The following is an entry in ClinVar:

ClinVar aggregate classification (germline): Pathogenic (1 of 4 stars; one submission).

gnomAD v4.1: 1 of 1,482,720 alleles (0.000067%); no homozygotes.

Submission:

Labcorp Genetics (formerly Invitae), Labcorp
Classification: Pathogenic. Last evaluated: 2023-07-16. Review status: criteria provided, single submitter. Criteria: Invitae Variant Classification Sherloc (09022015). Collection method: clinical testing. Allele origin: germline.
Comment: For these reasons, this variant has been classified as Pathogenic. This variant has not been reported in the literature in individuals affected with MYO15A-related conditions. This variant is not present in population databases (gnomAD no frequency). This sequence change creates a premature translational stop signal (p.Trp718*) in the MYO15A gene. It is expected to result in an absent or disrupted protein product. Loss-of-function variants in MYO15A are known to be pathogenic (PMID: 17546645).

Literature cited by the submitters: PubMed 17546645.

NM_016239.4(MYO15A):c.2154G>A (p.Trp718Ter)

Gene: MYO15A (myosin XVA; plus strand). Cytogenetic location: 17p11.2.
Variant type: single nucleotide variant.
Coding change: c.2154G>A on transcript NM_016239.4 (MANE Select); coding-DNA position 2154, G replaced by A.
Protein change: p.Trp718Ter; replaces tryptophan 718 with a stop codon.
Molecular consequence: nonsense.
Genome position (GRCh38, 1-based): chr17:18,120,954, G>A. VCF-style: chr17-18120954-G-A. GRCh37 (hg19) VCF-style: chr17-18024268-G-A.
Other names: short protein forms W718*.
Identifiers: ClinVar variation 2786479 (VCV002786479.3), dbSNP rs1455516797, ClinGen allele CA398581148.